The following is an entry in ClinVar:

ClinVar aggregate classification (germline): Pathogenic (1 of 4 stars; one submission).

Conditions:
Neurofibromatosis, type 1 (NF1). Also called: VON RECKLINGHAUSEN DISEASE; NEUROFIBROMATOSIS, TYPE I, SOMATIC; Peripheral type neurofibromatosis; Neurofibromatosis, type I. Identifiers: Orphanet 636, MedGen C0027831, MONDO:0018975, OMIM 162200. Disease mechanism: loss of function.

Submission:

Labcorp Genetics (formerly Invitae), Labcorp
Classification: Pathogenic for Neurofibromatosis, type 1. Last evaluated: 2024-06-04. Review status: criteria provided, single submitter. Criteria: Invitae Variant Classification Sherloc (09022015). Collection method: clinical testing. Allele origin: germline.
Comment: This sequence change creates a premature translational stop signal (p.Tyr692*) in the NF1 gene. It is expected to result in an absent or disrupted protein product. Loss-of-function variants in NF1 are known to be pathogenic (PMID: 10712197, 23913538). This variant is not present in population databases (gnomAD no frequency). This premature translational stop signal has been observed in individual(s) with neurofibromatosis type 1 (PMID: 10712197). For these reasons, this variant has been classified as Pathogenic.

Literature cited by the submitters: PubMed 10712197; PubMed 23913538.

NM_001042492.3(NF1):c.2076C>G (p.Tyr692Ter)

Gene: NF1 (neurofibromin 1; plus strand). Cytogenetic location: 17q11.2.
Variant type: single nucleotide variant.
Coding change: c.2076C>G on transcript NM_001042492.3 (MANE Select); coding-DNA position 2076, C replaced by G.
Protein change: p.Tyr692Ter; replaces tyrosine 692 with a stop codon.
Molecular consequence: nonsense.
Genome position (GRCh38, 1-based): chr17:31,226,509, C>G. VCF-style: chr17-31226509-C-G. GRCh37 (hg19) VCF-style: chr17-29553527-C-G.
Other names: c.2076C>G, p.Tyr692Ter (NM_000267.4); short protein forms Y692*.
Identifiers: ClinVar variation 3722617 (VCV003722617.2).
Genomic context (GRCh38, chr17:31,226,509, plus strand): 5'-ATGCAGCGGAACCCCCCCGATTTGCCGACAAGCCCAGACCAAACTAGAAGTGGCCCTGTA[C>G]ATGTTTCTGTGGAACCCTGACACTGAAGCTGTTCTGGTTGCCATGTCCTGTTTCCGCCAC-3'